The following is an entry in ClinVar:

ClinVar aggregate classification (germline): Conflicting classifications of pathogenicity. Review status: criteria provided, conflicting classifications (1 of 4 stars). 2 submissions from 2 submitters: Uncertain significance (1); Likely benign (1). Last evaluated 2026-02-04.

Conditions:
Hereditary cancer-predisposing syndrome. Also called: Tumor predisposition; Neoplastic Syndromes, Hereditary; Hereditary Cancer Syndrome; Hereditary neoplastic syndrome. Identifiers: Orphanet 140162, MedGen C0027672, MeSH D009386, MONDO:0015356.
Familial cancer of breast. Also called: hereditary breast carcinoma; Hereditary breast cancer; BREAST CANCER, FAMILIAL. Identifiers: Orphanet 227535, MedGen C0346153, MONDO:0016419, OMIM 114480. Disease mechanism: loss of function.

Submissions (2):

Ambry Genetics
Classification: Uncertain significance for Hereditary cancer-predisposing syndrome. Last evaluated: 2026-02-04. Review status: criteria provided, single submitter. Criteria: Ambry Variant Classification Scheme 2023. Collection method: clinical testing. Allele origin: germline.
Comment: The c.1236-5T>C intronic variant results from a T to C substitution 5 nucleotides upstream from coding exon 9 in the ATM gene. This nucleotide position is well conserved in available vertebrate species. In silico splice site analysis predicts that this alteration will not have any significant effect on splicing. Based on the available evidence, the clinical significance of this variant remains unclear.

Myriad Genetics, Inc.
Classification: Likely benign for Familial cancer of breast. Last evaluated: 2024-04-26. Review status: criteria provided, single submitter. Criteria: Myriad Autosomal Dominant, Autosomal Recessive and X-Linked Classification Criteria (2023). Collection method: clinical testing. Allele origin: unknown.
Comment: This variant is considered likely benign. This variant is intronic and is not expected to impact mRNA splicing.

NM_000051.4(ATM):c.1236-5T>C

Gene: ATM (ATM serine/threonine kinase; plus strand). Cytogenetic location: 11q22.3.
Variant type: single nucleotide variant.
Coding change: c.1236-5T>C on transcript NM_000051.4 (MANE Select); 5 bases into the intron before coding-DNA position 1236, T replaced by C.
Molecular consequence: intron variant.
Genome position (GRCh38, 1-based): chr11:108,250,696, T>C. VCF-style: chr11-108250696-T-C. GRCh37 (hg19) VCF-style: chr11-108121423-T-C.
Other names: c.1236-5T>C (NM_001351834.2).
Identifiers: ClinVar variation 818667 (VCV000818667.6), dbSNP rs1591522569, ClinGen allele CA915948340.